The following is an entry in ClinVar:

NM_000039.3(APOA1):c.42G>A (p.Thr14=)

Genes: APOA1 (apolipoprotein A1; minus strand), APOA1-AS (APOA1 antisense RNA; plus strand). Cytogenetic location: 11q23.3.
Variant type: single nucleotide variant.
Coding change: c.42G>A on transcript NM_000039.3 (MANE Select); coding-DNA position 42, G replaced by A.
Protein change: p.Thr14=; no amino-acid change (threonine 14 retained).
Molecular consequence: synonymous variant.
Genome position (GRCh38, 1-based): chr11:116,837,346, C>T on the plus strand (G>A on the coding strand, the complement: APOA1 is on the minus strand). VCF-style: chr11-116837346-C-T. GRCh37 (hg19) VCF-style: chr11-116708062-C-T.
Other names: c.42G>A (NM_000039.2); c.42G>A, p.Thr14= (NM_001318017.2, NM_001318018.2, NM_001425090.1 and 1 more transcripts); c.-242G>A (NM_001318021.2); c.-129G>A (NM_001425091.1); c.-278G>A (NM_001425092.1).
Identifiers: ClinVar variation 3231928 (VCV003231928.5), dbSNP rs760255146, ClinGen allele CA229325732.

ClinVar aggregate classification (germline): Conflicting classifications of pathogenicity. Review status: criteria provided, conflicting classifications (1 of 4 stars). 4 submissions from 4 submitters: Uncertain significance (2); Likely benign (2). Last evaluated 2026-05-25.

Conditions:
APOA1-related disorder. Also called: APOA1-related condition.
Hypoalphalipoproteinemia, primary, 2, intermediate. Also called: HYPOALPHALIPOPROTEINEMIA, PRIMARY, 2, AUTOSOMAL DOMINANT. Identifiers: MedGen C5677030, MONDO:0859238, OMIM 619836.
Familial amyloid polyneuropathy, Iowa type (AMYLD3). Also called: Familial amyloid polyneuropathy type III; AMYLOIDOSIS, HEREDITARY SYSTEMIC 3; AMYLOIDOSIS, IOWA TYPE; AMYLOIDOSIS, VAN ALLEN TYPE; AMYLOIDOSIS, TYPE III; AMYLOIDOSIS, TYPE IV. Identifiers: MedGen C4551500, MONDO:0971008, OMIM 620657.
Hypoalphalipoproteinemia, primary, 2. Also called: HYPOALPHALIPOPROTEINEMIA, PRIMARY, 2, AUTOSOMAL RECESSIVE; HIGH DENSITY LIPOPROTEIN DEFICIENCY. Identifiers: MedGen C5551172, MONDO:0032766, OMIM 618463.
Cardiovascular phenotype. Identifiers: MedGen CN230736.

Allele frequency attached by ClinVar (database versions not stated): gnomAD 0.00001.
gnomAD v4.1: 21 of 1,568,326 alleles (0.0013%); highest among the groups gnomAD compares: Admixed American, 0.0076%; no homozygotes.

Submissions (4):

PreventionGenetics, part of Exact Sciences
Classification: Likely benign for APOA1-related condition. Last evaluated: 2026-05-25. Review status: criteria provided, single submitter. Criteria: ACMG Guidelines, 2015. Collection method: clinical testing. Allele origin: germline.
Comment: This variant is classified as likely benign based on ACMG/AMP sequence variant interpretation guidelines (Richards et al. 2015 PMID: 25741868, with internal and published modifications).

Labcorp Genetics (formerly Invitae), Labcorp
Classification: Uncertain significance. Last evaluated: 2024-09-25. Review status: criteria provided, single submitter. Criteria: Invitae Variant Classification Sherloc (09022015). Collection method: clinical testing. Allele origin: germline.
Comment: This sequence change affects codon 14 of the APOA1 mRNA. It is a 'silent' change, meaning that it does not change the encoded amino acid sequence of the APOA1 protein. It affects a nucleotide within the consensus splice site. This variant is present in population databases (rs760255146, gnomAD 0.01%). This variant has not been reported in the literature in individuals affected with APOA1-related conditions. Algorithms developed to predict the effect of sequence changes on RNA splicing suggest that this variant is not likely to affect RNA splicing. In summary, the available evidence is currently insufficient to determine the role of this variant in disease. Therefore, it has been classified as a Variant of Uncertain Significance.

Fulgent Genetics
Classification: Uncertain significance for Hypoalphalipoproteinemia, primary, 2; Hypoalphalipoproteinemia, primary, 2, intermediate; Familial amyloid polyneuropathy, Iowa type. Last evaluated: 2024-04-12. Review status: criteria provided, single submitter. Criteria: ACMG Guidelines, 2015. Collection method: clinical testing. Allele origin: germline.

Ambry Genetics
Classification: Likely benign for Cardiovascular phenotype. Last evaluated: 2023-01-28. Review status: criteria provided, single submitter. Criteria: Ambry Variant Classification Scheme 2023. Collection method: clinical testing. Allele origin: germline.